The following is an entry in ClinVar:

NM_005502.4(ABCA1):c.*2705G>A

Genes: ABCA1 (ATP binding cassette subfamily A member 1; minus strand), NIPSNAP3B (nipsnap homolog 3B; plus strand). Cytogenetic location: 9q31.1.
Variant type: single nucleotide variant.
Coding change: c.*2705G>A on transcript NM_005502.4 (MANE Select); 2705 bases downstream of the stop codon, G replaced by A.
Molecular consequence: 3 prime UTR variant.
Genome position (GRCh38, 1-based): chr9:104,781,610, C>T on the plus strand (G>A on the coding strand, the complement: ABCA1 is on the minus strand). VCF-style: chr9-104781610-C-T. GRCh37 (hg19) VCF-style: chr9-107543891-C-T.
Identifiers: ClinVar variation 364329 (VCV000364329.5), dbSNP rs75141626, ClinGen allele CA10626117.

ClinVar aggregate classification (germline): Benign. Review status: criteria provided, single submitter (1 of 4 stars). 2 submissions from 1 submitter: Benign (2). Last evaluated 2018-01-12.

Conditions:
Tangier disease (TGD). Also called: HIGH DENSITY LIPOPROTEIN DEFICIENCY, TANGIER TYPE; HIGH DENSITY LIPOPROTEIN DEFICIENCY, TYPE 1; Cholesterol thesaurismosis. Identifiers: Orphanet 31150, MedGen C0039292, MONDO:0008783, OMIM 205400.
Hypoalphalipoproteinemia, primary, 1. Identifiers: Orphanet 425, MedGen C5231558, MONDO:0011393, OMIM 604091.

Allele frequency attached by ClinVar (database versions not stated): 1000 Genomes Project 0.01078; gnomAD 0.01112 and 0.01191; 1000 Genomes Project 30x 0.01187; TOPMed 0.01258.

Submissions (2):

Illumina Laboratory Services, Illumina
Classification: Benign for Tangier disease. Last evaluated: 2018-01-12. Review status: criteria provided, single submitter. Criteria: ICSL Variant Classification Criteria 13 December 2019. Collection method: clinical testing. Allele origin: germline.
Comment: This variant was observed in the ICSL laboratory as part of a predisposition screen in an ostensibly healthy population. It had not been previously curated by ICSL or reported in the Human Gene Mutation Database (HGMD: prior to June 1st, 2018), and was therefore a candidate for classification through an automated scoring system. Utilizing variant allele frequency, disease prevalence and penetrance estimates, and inheritance mode, an automated score was calculated to assess if this variant is too frequent to cause the disease. Based on the score and internal cut-off values, a variant classified as benign is not then subjected to further curation. The score for this variant resulted in a classification of benign for this disease.

Illumina Laboratory Services, Illumina
Classification: Benign for Hypoalphalipoproteinemia, primary, 1. Last evaluated: 2018-01-12. Review status: criteria provided, single submitter. Criteria: ICSL Variant Classification Criteria 13 December 2019. Collection method: clinical testing. Allele origin: germline.
Comment: the same text as in the submission from Illumina Laboratory Services, Illumina above.